The following is an entry in ClinVar:

ClinVar aggregate classification (germline): Uncertain significance. Review status: criteria provided, multiple submitters, no conflicts (2 of 4 stars). 2 submissions from 2 submitters: Uncertain significance (2). Last evaluated 2025-08-20.

Conditions:
Inborn genetic diseases. Identifiers: MedGen C0950123, MeSH D030342.

gnomAD v4.1: 13 of 1,614,078 alleles (0.00081%); highest among the groups gnomAD compares: Non-Finnish European, 0.0011%; no homozygotes.

Submissions (2):

Labcorp Genetics (formerly Invitae), Labcorp
Classification: Uncertain significance. Last evaluated: 2025-08-20. Review status: criteria provided, single submitter. Criteria: Invitae Variant Classification Sherloc (09022015). Collection method: clinical testing. Allele origin: germline.
Comment: This sequence change replaces valine, which is neutral and non-polar, with methionine, which is neutral and non-polar, at codon 499 of the MBD4 protein (p.Val499Met). This variant is not present in population databases (gnomAD no frequency). This variant has not been reported in the literature in individuals affected with MBD4-related conditions. ClinVar contains an entry for this variant (Variation ID: 3698666). An algorithm developed to predict the effect of missense changes on protein structure and function (PolyPhen-2) suggests that this variant is likely to be disruptive. In summary, the available evidence is currently insufficient to determine the role of this variant in disease. Therefore, it has been classified as a Variant of Uncertain Significance.

Ambry Genetics
Classification: Uncertain significance for Inborn genetic diseases. Last evaluated: 2025-04-01. Review status: criteria provided, single submitter. Criteria: Ambry Variant Classification Scheme 2023. Collection method: clinical testing. Allele origin: germline.
Comment: The p.V493M variant (also known as c.1477G>A), located in coding exon 6 of the MBD4 gene, results from a G to A substitution at nucleotide position 1477. The valine at codon 493 is replaced by methionine, an amino acid with highly similar properties. This amino acid position is conserved. In addition, this alteration is predicted to be tolerated by in silico analysis. Based on the available evidence, the clinical significance of this variant remains unclear.

NM_001276270.2(MBD4):c.1477G>A (p.Val493Met)

Gene: MBD4 (methyl-CpG binding domain 4, DNA glycosylase; minus strand). Cytogenetic location: 3q21.3.
Variant type: single nucleotide variant.
Coding change: c.1477G>A on transcript NM_001276270.2 (MANE Select); coding-DNA position 1477, G replaced by A.
Protein change: p.Val493Met; replaces valine 493 with methionine.
Molecular consequence: missense variant.
Genome position (GRCh38, 1-based): chr3:129,433,164, C>T on the plus strand (G>A on the coding strand, the complement: MBD4 is on the minus strand). VCF-style: chr3-129433164-C-T. GRCh37 (hg19) VCF-style: chr3-129152007-C-T.
Other names: c.1495G>A, p.Val499Met (NM_001276271.2, NM_001276272.2, NM_003925.3); c.541G>A, p.Val181Met (NM_001276273.2); short protein forms V181M, V493M, V499M.
Identifiers: ClinVar variation 3698666 (VCV003698666.3).